The following is an entry in ClinVar:

ClinVar aggregate classification (germline): Uncertain significance. Review status: criteria provided, multiple submitters, no conflicts (2 of 4 stars). 2 submissions from 2 submitters: Uncertain significance (2). Last evaluated 2023-05-07.

Conditions:
Chédiak-Higashi syndrome (CHS). Also called: Chediak-Higashi Syndrome. Identifiers: Orphanet 167, MedGen C0007965, MONDO:0008963, OMIM 214500.

Allele frequency attached by ClinVar (database versions not stated): gnomAD 0.00001; TOPMed 0.00002.
gnomAD v4.1: 5 of 1,614,074 alleles (0.00031%); highest among the groups gnomAD compares: African/African-American, 0.0027%; no homozygotes.

Submissions (2):

GeneDx
Classification: Uncertain significance. Last evaluated: 2023-05-07. Review status: criteria provided, single submitter. Criteria: GeneDx Variant Classification Process June 2021. Collection method: clinical testing. Allele origin: germline. Affected: yes.
Comment: Not observed at significant frequency in large population cohorts (gnomAD); In silico analysis supports that this missense variant does not alter protein structure/function; Has not been previously published as pathogenic or benign to our knowledge

Labcorp Genetics (formerly Invitae), Labcorp
Classification: Uncertain significance for Chédiak-Higashi syndrome. Last evaluated: 2022-05-04. Review status: criteria provided, single submitter. Criteria: Invitae Variant Classification Sherloc (09022015). Collection method: clinical testing. Allele origin: germline.
Comment: This sequence change replaces histidine, which is basic and polar, with arginine, which is basic and polar, at codon 2769 of the LYST protein (p.His2769Arg). This variant is not present in population databases (gnomAD no frequency). This variant has not been reported in the literature in individuals affected with LYST-related conditions. Algorithms developed to predict the effect of missense changes on protein structure and function output the following: SIFT: "Tolerated"; PolyPhen-2: "Benign"; Align-GVGD: "Class C0". The arginine amino acid residue is found in multiple mammalian species, which suggests that this missense change does not adversely affect protein function. In summary, the available evidence is currently insufficient to determine the role of this variant in disease. Therefore, it has been classified as a Variant of Uncertain Significance.

NM_000081.4(LYST):c.8306A>G (p.His2769Arg)

Gene: LYST (lysosomal trafficking regulator; minus strand). Cytogenetic location: 1q42.3.
Variant type: single nucleotide variant.
Coding change: c.8306A>G on transcript NM_000081.4 (MANE Select); coding-DNA position 8306, A replaced by G.
Protein change: p.His2769Arg; replaces histidine 2769 with arginine.
Molecular consequence: missense variant.
Genome position (GRCh38, 1-based): chr1:235,741,474, T>C on the plus strand (A>G on the coding strand, the complement: LYST is on the minus strand). VCF-style: chr1-235741474-T-C. GRCh37 (hg19) VCF-style: chr1-235904774-T-C.
Other names: c.8306A>G (NM_000081.2); c.8306A>G, p.His2769Arg (NM_001301365.1); short protein forms H2769R.
Identifiers: ClinVar variation 2196363 (VCV002196363.2), dbSNP rs1447399823, ClinGen allele CA344923415.